The following is an entry in ClinVar:

NM_014633.5(CTR9):c.2670G>A (p.Met890Ile)

Gene: CTR9 (CTR9 component of Paf1/RNA polymerase II complex; plus strand). Cytogenetic location: 11p15.4.
Variant type: single nucleotide variant.
Coding change: c.2670G>A on transcript NM_014633.5 (MANE Select); coding-DNA position 2670, G replaced by A.
Protein change: p.Met890Ile; replaces methionine 890 with isoleucine.
Molecular consequence: missense variant.
Genome position (GRCh38, 1-based): chr11:10,773,216, G>A. VCF-style: chr11-10773216-G-A. GRCh37 (hg19) VCF-style: chr11-10794763-G-A.
Other names: c.2670G>A (NM_014633.3); c.2598G>A, p.Met866Ile (NM_001346279.2); short protein forms M890I, M866I.
Identifiers: ClinVar variation 1439367 (VCV001439367.7), dbSNP rs761603338, ClinGen allele CA5885381.

ClinVar aggregate classification (germline): Uncertain significance. Review status: criteria provided, multiple submitters, no conflicts (2 of 4 stars). 2 submissions from 2 submitters: Uncertain significance (2). Last evaluated 2024-12-23.

Conditions:
Inborn genetic diseases. Identifiers: MedGen C0950123, MeSH D030342.

Allele frequency attached by ClinVar (database versions not stated): gnomAD 0.00001; gnomAD exomes 0.00001 and 0.00002; ExAC 0.00002; TOPMed 0.00002.
gnomAD v4.1: 5 of 1,612,960 alleles (0.00031%); highest among the groups gnomAD compares: Admixed American, 0.0084%; no homozygotes.

Submissions (2):

Ambry Genetics
Classification: Uncertain significance for Inborn genetic diseases. Last evaluated: 2024-12-23. Review status: criteria provided, single submitter. Criteria: Ambry Variant Classification Scheme 2023. Collection method: clinical testing. Allele origin: germline.

Labcorp Genetics (formerly Invitae), Labcorp
Classification: Uncertain significance. Last evaluated: 2021-11-22. Review status: criteria provided, single submitter. Criteria: Invitae Variant Classification Sherloc (09022015). Collection method: clinical testing. Allele origin: germline.
Comment: This variant has not been reported in the literature in individuals affected with CTR9-related conditions. This variant is present in population databases (rs761603338, gnomAD 0.01%). This sequence change replaces methionine, which is neutral and non-polar, with isoleucine, which is neutral and non-polar, at codon 890 of the CTR9 protein (p.Met890Ile). In summary, the available evidence is currently insufficient to determine the role of this variant in disease. Therefore, it has been classified as a Variant of Uncertain Significance. Algorithms developed to predict the effect of missense changes on protein structure and function (SIFT, PolyPhen-2, Align-GVGD) all suggest that this variant is likely to be tolerated.